The following is an entry in ClinVar:

NM_000458.4(HNF1B):c.819T>C (p.Cys273=)

Gene: HNF1B (HNF1 homeobox B; minus strand). Cytogenetic location: 17q12.
Variant type: single nucleotide variant.
Coding change: c.819T>C on transcript NM_000458.4 (MANE Select); coding-DNA position 819, T replaced by C.
Protein change: p.Cys273=; no amino-acid change (cysteine 273 retained).
Molecular consequence: synonymous variant.
Genome position (GRCh38, 1-based): chr17:37,731,821, A>G on the plus strand (T>C on the coding strand, the complement: HNF1B is on the minus strand). VCF-style: chr17-37731821-A-G. GRCh37 (hg19) VCF-style: chr17-36091812-A-G.
Other names: c.741T>C, p.Cys247= (NM_001165923.4, NM_001304286.2).
Identifiers: ClinVar variation 593446 (VCV000593446.6), dbSNP rs1568664272, ClinGen allele CA398747103.

ClinVar aggregate classification (germline): Conflicting classifications of pathogenicity. Review status: criteria provided, conflicting classifications (1 of 4 stars). 2 submissions from 2 submitters: Uncertain significance (1); Likely benign (1). Last evaluated 2017-07-27.

Conditions:
Maturity-onset diabetes of the young (MODY). Also called: Maturity onset diabetes mellitus in young. Identifiers: Orphanet 552, MedGen C0342276, MONDO:0018911, HP:0004904.

Allele frequency attached by ClinVar (database versions not stated): gnomAD exomes below 0.00001.
gnomAD v4.1: 1 of 1,601,682 alleles (0.000062%); highest among the groups gnomAD compares: Admixed American, 0.0017%; no homozygotes.

Submissions (2):

Eurofins Ntd Llc (ga)
Classification: Uncertain significance. Last evaluated: 2017-07-27. Review status: criteria provided, single submitter. Criteria: EGL Classification Definitions 2015. Collection method: clinical testing. Allele origin: germline. Observed: 1 variant allele, 1 heterozygote.

Clinical Genomics, Uppaluri K&H Personalized Medicine Clinic
Classification: Likely benign for Maturity-onset diabetes of the young. Review status: criteria provided, single submitter. Criteria: K & H Uppaluri Personalized Medicine Clinic Variant Classification & Assertion Criteria_Updated V.1. Collection method: research. Allele origin: unknown. Inheritance: Autosomal dominant inheritance.
Comment: HNF1B gene mutations are associated with early onset diabetes and pancreatic atrophy. It is also associated with multiple renal manifestations including renal cysts, Tubulointerstitial disease, glomerulocystic disease, renal hypoplasia, hypomagnesemia. However no sufficient evidence is found to ascertain the role of this particular variant rs1568664272, yet.

Literature cited by the submitters: PubMed 24897035 (cited by Clinical Genomics, Uppaluri K&H Personalized Medicine Clinic); PubMed 25536396 (cited by Clinical Genomics, Uppaluri K&H Personalized Medicine Clinic); PubMed 27615128 (cited by Clinical Genomics, Uppaluri K&H Personalized Medicine Clinic); PubMed 28215227 (cited by Clinical Genomics, Uppaluri K&H Personalized Medicine Clinic); PubMed 33434175 (cited by Clinical Genomics, Uppaluri K&H Personalized Medicine Clinic); PubMed 25741167 (cited by Clinical Genomics, Uppaluri K&H Personalized Medicine Clinic); PubMed 26340261 (cited by Clinical Genomics, Uppaluri K&H Personalized Medicine Clinic); PubMed 19639018 (cited by Clinical Genomics, Uppaluri K&H Personalized Medicine Clinic).